The following is an entry in ClinVar:

ClinVar aggregate classification (germline): Uncertain significance (1 of 4 stars; one submission).

gnomAD v4.1: 1 of 1,211,213 alleles (0.000083%); highest among the groups gnomAD compares: East Asian, 0.003%; no homozygotes.

Submission:

Ambry Genetics
Classification: Uncertain significance. Last evaluated: 2026-04-23. Review status: criteria provided, single submitter. Criteria: Ambry Variant Classification Scheme 2023. Collection method: clinical testing. Allele origin: germline.
Comment: The c.908C>T (p.P303L) alteration is located in exon 8 (coding exon 8) of the EGFL6 gene. This alteration results from a C to T substitution at nucleotide position 908, causing the proline (P) at amino acid position 303 to be replaced by a leucine (L). Based on data from gnomAD, the T allele has an overall frequency of <0.001% (1/183371) total alleles studied. The highest observed frequency was 0.007% (1/13858) of East Asian alleles. Based on insufficient or conflicting evidence, the clinical significance of this alteration remains unclear.

NM_015507.4(EGFL6):c.908C>T (p.Pro303Leu)

Gene: EGFL6 (EGF like domain multiple 6; plus strand). Cytogenetic location: Xp22.2.
Variant type: single nucleotide variant.
Coding change: c.908C>T on transcript NM_015507.4 (MANE Select); coding-DNA position 908, C replaced by T.
Protein change: p.Pro303Leu; replaces proline 303 with leucine.
Molecular consequence: missense variant.
Genome position (GRCh38, 1-based): chrX:13,617,859, C>T. VCF-style: chrX-13617859-C-T. GRCh37 (hg19) VCF-style: chrX-13635978-C-T.
Other names: c.908C>T, p.Pro303Leu (NM_001167890.2); short protein forms P303L.
Identifiers: ClinVar variation 4870207 (VCV004870207.1).